The following is an entry in ClinVar:

ClinVar aggregate classification (germline): Uncertain significance. Review status: criteria provided, multiple submitters, no conflicts (2 of 4 stars). 2 submissions from 2 submitters: Uncertain significance (2). Last evaluated 2024-03-10.

Conditions:
Hypertrophic cardiomyopathy 1 (CMH1). Also called: MYH7-Related Familial Hypertrophic Cardiomyopathy; Familial hypertrophic cardiomyopathy 1. Identifiers: MedGen C3495498, MONDO:0008647, OMIM 192600.

Allele frequency attached by ClinVar (database versions not stated): gnomAD exomes below 0.00001.
gnomAD v4.1: 6 of 1,600,378 alleles (0.00037%); highest among the groups gnomAD compares: Non-Finnish European, 0.00051%; no homozygotes.

Submissions (2):

Ambry Genetics
Classification: Uncertain significance. Last evaluated: 2024-03-10. Review status: criteria provided, single submitter. Criteria: Ambry Variant Classification Scheme 2023. Collection method: clinical testing. Allele origin: germline.
Comment: The p.S157F variant (also known as c.470C>T), located in coding exon 2 of the MYLK2 gene, results from a C to T substitution at nucleotide position 470. The serine at codon 157 is replaced by phenylalanine, an amino acid with highly dissimilar properties. This amino acid position is conserved. In addition, this alteration is predicted to be tolerated by in silico analysis. Based on the available evidence, the clinical significance of this alteration remains unclear.

Labcorp Genetics (formerly Invitae), Labcorp
Classification: Uncertain significance for Hypertrophic cardiomyopathy 1. Last evaluated: 2022-12-09. Review status: criteria provided, single submitter. Criteria: Invitae Variant Classification Sherloc (09022015). Collection method: clinical testing. Allele origin: germline.
Comment: In summary, the available evidence is currently insufficient to determine the role of this variant in disease. Therefore, it has been classified as a Variant of Uncertain Significance. Advanced modeling of protein sequence and biophysical properties (such as structural, functional, and spatial information, amino acid conservation, physicochemical variation, residue mobility, and thermodynamic stability) performed at Invitae indicates that this missense variant is not expected to disrupt MYLK2 protein function. ClinVar contains an entry for this variant (Variation ID: 1016759). This variant has not been reported in the literature in individuals affected with MYLK2-related conditions. This variant is not present in population databases (gnomAD no frequency). This sequence change replaces serine, which is neutral and polar, with phenylalanine, which is neutral and non-polar, at codon 157 of the MYLK2 protein (p.Ser157Phe).

NM_033118.4(MYLK2):c.470C>T (p.Ser157Phe)

Gene: MYLK2 (myosin light chain kinase 2; plus strand). Cytogenetic location: 20q11.21.
Variant type: single nucleotide variant.
Coding change: c.470C>T on transcript NM_033118.4 (MANE Select); coding-DNA position 470, C replaced by T.
Protein change: p.Ser157Phe; replaces serine 157 with phenylalanine.
Molecular consequence: missense variant.
Genome position (GRCh38, 1-based): chr20:31,820,543, C>T. VCF-style: chr20-31820543-C-T. GRCh37 (hg19) VCF-style: chr20-30408346-C-T.
Other names: c.470C>T (NM_033118.3); short protein forms S157F.
Identifiers: ClinVar variation 1016759 (VCV001016759.9), dbSNP rs2062247649, ClinGen allele CA408525667.